The following is an entry in ClinVar:

ClinVar aggregate classification (germline): Uncertain significance. Review status: criteria provided, multiple submitters, no conflicts (2 of 4 stars). 3 submissions from 3 submitters: Uncertain significance (3). Last evaluated 2024-04-28.

Conditions:
Colorectal cancer, susceptibility to, 1. Also called: COLORECTAL ADENOMA AND CANCER, SUSCEPTIBILITY TO; COLORECTAL CANCER, SUSCEPTIBILITY TO, ON CHROMOSOME 9. Identifiers: MedGen C1837315, MONDO:0012132, OMIM 608812.

Allele frequency attached by ClinVar (database versions not stated): gnomAD exomes 0.00001; ExAC 0.00002.
gnomAD v4.1: 10 of 1,613,982 alleles (0.00062%); highest among the groups gnomAD compares: South Asian, 0.0011%; no homozygotes.

Submissions (3):

Ambry Genetics
Classification: Uncertain significance. Last evaluated: 2024-04-28. Review status: criteria provided, single submitter. Criteria: Ambry Variant Classification Scheme 2023. Collection method: clinical testing. Allele origin: germline.
Comment: The p.Y461C variant (also known as c.1382A>G), located in coding exon 8 of the GALNT12 gene, results from an A to G substitution at nucleotide position 1382. The tyrosine at codon 461 is replaced by cysteine, an amino acid with highly dissimilar properties. This amino acid position is highly conserved in available vertebrate species. In addition, the in silico prediction for this alteration is inconclusive. The evidence for this gene-disease relationship is limited; therefore, the clinical significance of this alteration is unclear.

Labcorp Genetics (formerly Invitae), Labcorp
Classification: Uncertain significance. Last evaluated: 2023-10-08. Review status: criteria provided, single submitter. Criteria: Invitae Variant Classification Sherloc (09022015). Collection method: clinical testing. Allele origin: germline.
Comment: This sequence change replaces tyrosine, which is neutral and polar, with cysteine, which is neutral and slightly polar, at codon 461 of the GALNT12 protein (p.Tyr461Cys). This variant is present in population databases (rs764920800, gnomAD 0.006%). This variant has not been reported in the literature in individuals affected with GALNT12-related conditions. ClinVar contains an entry for this variant (Variation ID: 819066). Advanced modeling of protein sequence and biophysical properties (such as structural, functional, and spatial information, amino acid conservation, physicochemical variation, residue mobility, and thermodynamic stability) performed at Invitae indicates that this missense variant is not expected to disrupt GALNT12 protein function. In summary, the available evidence is currently insufficient to determine the role of this variant in disease. Therefore, it has been classified as a Variant of Uncertain Significance.

Baylor Genetics
Classification: Uncertain significance for Colorectal cancer, susceptibility to, 1. Last evaluated: 2023-10-06. Review status: criteria provided, single submitter. Criteria: ACMG Guidelines, 2015. Collection method: clinical testing. Allele origin: unknown.

NM_024642.5(GALNT12):c.1382A>G (p.Tyr461Cys)

Gene: GALNT12 (polypeptide N-acetylgalactosaminyltransferase 12; plus strand). Cytogenetic location: 9q22.33.
Variant type: single nucleotide variant.
Coding change: c.1382A>G on transcript NM_024642.5 (MANE Select); coding-DNA position 1382, A replaced by G.
Protein change: p.Tyr461Cys; replaces tyrosine 461 with cysteine.
Molecular consequence: missense variant.
Genome position (GRCh38, 1-based): chr9:98,844,133, A>G. VCF-style: chr9-98844133-A-G. GRCh37 (hg19) VCF-style: chr9-101606415-A-G.
Other names: short protein forms Y461C.
Identifiers: ClinVar variation 819066 (VCV000819066.15), dbSNP rs764920800, ClinGen allele CA5154258.